The following is an entry in ClinVar:

ClinVar aggregate classification (germline): Conflicting classifications of pathogenicity. Review status: criteria provided, conflicting classifications (1 of 4 stars). 6 submissions from 6 submitters: Uncertain significance (4); Likely benign (1). 1 of the submissions does not count toward it. Last evaluated 2025-12-23.

Conditions:
CFTR-related disorder (CFTR-RD). Also called: CFTR-related condition; CFTR-related disorders. Identifiers: MedGen C5924204, MONDO:7770004.
Cystic fibrosis (CF). Also called: MUCOVISCIDOSIS. Identifiers: Orphanet 586, MedGen C0010674, MONDO:0009061, OMIM 219700. Disease mechanism: loss of function.

Allele frequency attached by ClinVar (database versions not stated): gnomAD exomes below 0.00001; ExAC 0.00001; gnomAD 0.00003; ESP Exome Variant Server 0.00023.

Submissions (6):

Labcorp Genetics (formerly Invitae), Labcorp
Classification: Uncertain significance for Cystic fibrosis. Last evaluated: 2025-12-23. Review status: criteria provided, single submitter. Criteria: Invitae Variant Classification Sherloc (09022015). Collection method: clinical testing. Allele origin: germline.
Comment: This sequence change falls in intron 1 of the CFTR gene. It does not directly change the encoded amino acid sequence of the CFTR protein. It affects a nucleotide within the consensus splice site. The frequency data for this variant in the population databases is considered unreliable, as metrics indicate poor data quality at this position in the gnomAD database. This variant has been observed in individual(s) with CFTR-related conditions (PMID: 7516233, 34782259). ClinVar contains an entry for this variant (Variation ID: 53989). Variants that disrupt the consensus splice site are a relatively common cause of aberrant splicing (PMID: 17576681, 9536098). Algorithms developed to predict the effect of sequence changes on RNA splicing suggest that this variant may disrupt the consensus splice site. In summary, the available evidence is currently insufficient to determine the role of this variant in disease. Therefore, it has been classified as a Variant of Uncertain Significance.

GeneDx
Classification: Uncertain significance. Last evaluated: 2025-06-06. Review status: criteria provided, single submitter. Criteria: GeneDx Variant Classification Process June 2021. Collection method: clinical testing. Allele origin: germline. Affected: yes.
Comment: Observed with a pathogenic variant on the same allele (in cis) in unrelated individuals with cystic fibrosis referred for genetic testing at GeneDx or in published literature (PMID: 22137130, 28603918); In silico analysis is inconclusive as to whether the variant alters gene splicing. In the absence of RNA/functional studies, the actual effect of this sequence change is unknown.; This variant is associated with the following publications: (PMID: 22137130, 21520337, 34782259, 28261631, 28603918, 7516233)

PreventionGenetics, part of Exact Sciences
Classification: Uncertain significance for CFTR-related condition. Last evaluated: 2024-12-06. Review status: criteria provided, single submitter. Criteria: ACMG Guidelines, 2015. Collection method: clinical testing. Allele origin: germline.
Comment: The CFTR c.53+4A>T variant is predicted to interfere with splicing. This variant, also referred to as c.185+4A>T, has been reported together with p.Phe508del, in an individual with congenital bilateral absence of vas deferens (Culard et al. 1994. PubMed ID: 7516233; Table S5 in Steiner et al. 2011. PubMed ID: 21520337). It has been detected in a cohort of individuals with cystic fibrosis, although it is unclear if a second CFTR variant was present (Table S1, Raraigh et al. 2021. PubMed ID: 34782259). This variant is reported in 0.0016% of alleles in individuals of European (Non-Finnish) descent in gnomAD. At this time, the clinical significance of this variant is uncertain due to the absence of conclusive functional and genetic evidence.

Blueprint Genetics
Classification: Uncertain significance. Last evaluated: 2024-06-10. Review status: criteria provided, single submitter. Criteria: ACMG Guidelines, 2015. Collection method: clinical testing. Allele origin: germline.

Ambry Genetics
Classification: Likely benign for Cystic fibrosis. Last evaluated: 2019-01-11. Review status: criteria provided, single submitter. Criteria: Ambry Variant Classification Scheme 2023. Collection method: clinical testing. Allele origin: germline.

Counsyl
Classification: Uncertain significance for Cystic fibrosis. Last evaluated: 2017-08-29. Review status: no assertion criteria provided. Collection method: clinical testing. Allele origin: unknown. Not counted in ClinVar's aggregate classification.

Literature cited by the submitters: PubMed 7516233 (cited by Labcorp Genetics (formerly Invitae), Labcorp and Ambry Genetics); PubMed 34782259 (cited by Labcorp Genetics (formerly Invitae), Labcorp); PubMed 17576681 (cited by Labcorp Genetics (formerly Invitae), Labcorp); PubMed 9536098 (cited by Labcorp Genetics (formerly Invitae), Labcorp); PubMed 22137130 (cited by Ambry Genetics).

NM_000492.4(CFTR):c.53+4A>T

Gene: CFTR (CF transmembrane conductance regulator; plus strand). Cytogenetic location: 7q31.2.
Variant type: single nucleotide variant.
Coding change: c.53+4A>T on transcript NM_000492.4 (MANE Select); 4 bases into the intron after coding-DNA position 53, A replaced by T.
Molecular consequence: intron variant.
Genome position (GRCh38, 1-based): chr7:117,480,151, A>T. VCF-style: chr7-117480151-A-T. GRCh37 (hg19) VCF-style: chr7-117120205-A-T.
Identifiers: ClinVar variation 53989 (VCV000053989.11), dbSNP rs372610364, ClinGen allele CA327551.
Genomic context (GRCh38, chr7:117,480,151, plus strand): 5'-GACCATGCAGAGGTCGCCTCTGGAAAAGGCCAGCGTTGTCTCCAAACTTTTTTTCAGGTG[A>T]GAAGGTGGCCAACCGAGCTTCGGAAAGACACGTGCCCACGAAAGAGGAGGGCGTGTGTAT-3'